The following is an entry in ClinVar:

ClinVar aggregate classification (germline): Pathogenic/Likely pathogenic. Review status: criteria provided, multiple submitters, no conflicts (2 of 4 stars). 9 submissions from 9 submitters: Pathogenic (2); Likely pathogenic (6). 1 of the submissions does not count toward it. Last evaluated 2026-08-02.

Conditions:
LZTR1-related schwannomatosis. Also called: Schwannomatosis 2; Schwannomatosis-2, susceptibility to. Identifiers: Orphanet 93921, MedGen C3810283, MONDO:0014299, OMIM 615670.
Autism spectrum disorder. Also called: Autism spectrum disorders. Identifiers: MedGen C1510586, MeSH D000067877, MONDO:0005258.
Cardiovascular phenotype. Identifiers: MedGen CN230736.
Hereditary cancer-predisposing syndrome. Also called: Hereditary neoplastic syndrome; Neoplastic Syndromes, Hereditary; Hereditary Cancer Syndrome; Tumor predisposition. Identifiers: Orphanet 140162, MedGen C0027672, MeSH D009386, MONDO:0015356.
LZTR1-related disorder. Also called: LZTR1-related disorders; LZTR1-related condition.

Submissions (9):

PreventionGenetics, part of Exact Sciences
Classification: Likely pathogenic for LZTR1-related condition. Last evaluated: 2026-08-02. Review status: criteria provided, single submitter. Criteria: ACMG Guidelines, 2015. Collection method: clinical testing. Allele origin: germline.
Comment: The LZTR1 c.774delT variant is predicted to result in a frameshift and premature protein termination (p.Phe258Leufs*93). To our knowledge, this variant has not been reported in an individual LZTR1-related disease. This variant is reported in 0.0062% of alleles in individuals of European (Non-Finnish) descent in gnomAD and is classified as likely pathogenic or pathogenic in ClinVar (Variation ID: 372924). Frameshift variants in LZTR1 are expected to be pathogenic for autosomal recessive Noonan syndrome and autosomal dominant susceptibility to schwannomatosis. However, the role of frameshift variants in autosomal dominant Noonan syndrome is uncertain. This variant is interpreted as likely pathogenic.

Labcorp Genetics (formerly Invitae), Labcorp
Classification: Pathogenic. Last evaluated: 2025-12-30. Review status: criteria provided, single submitter. Criteria: Invitae Variant Classification Sherloc (09022015). Collection method: clinical testing. Allele origin: germline.
Comment: This sequence change creates a premature translational stop signal (p.Phe258Leufs*93) in the LZTR1 gene. It is expected to result in an absent or disrupted protein product. Loss-of-function variants in LZTR1 are known to be pathogenic (PMID: 24362817, 25335493, 25480913, 25795793, 29469822, 30368668, 30442762, 30442766, 30481304, 30859559). This variant is present in population databases (rs780267761, gnomAD 0.006%). This variant has not been reported in the literature in individuals affected with LZTR1-related conditions. ClinVar contains an entry for this variant (Variation ID: 372924). For these reasons, this variant has been classified as Pathogenic.

GeneDx
Classification: Likely pathogenic. Last evaluated: 2025-07-10. Review status: criteria provided, single submitter. Criteria: GeneDx Variant Classification Process June 2021. Collection method: clinical testing. Allele origin: germline. Affected: yes.
Comment: Frameshift variant predicted to result in protein truncation or nonsense mediated decay in a gene for which loss of function is a known mechanism of disease; Observed in an individual with autism in published literature (PMID: 30504930); This variant is associated with the following publications: (PMID: 30368668, 30481304, 25795793, 29469822, 30442766, 30859559, 24362817, 30442762, 25335493, 25480913, 30504930)

Institute for Genomic Medicine (IGM) Clinical Laboratory, Nationwide Children's Hospital
Classification: Likely pathogenic for LZTR1-related schwannomatosis. Last evaluated: 2025-03-18. Review status: criteria provided, single submitter. Criteria: ACMG Guidelines, 2015. Collection method: clinical testing. Allele origin: germline.
Comment: This variant is predicted to result in loss of function through nonsense-mediated decay of the encoded transcript or premature truncation of the encoded protein in a gene in which loss of function is a known mechanism of disease (ACMG/AMP: PVS1; PMIDs:24362817, 25335493, 25480913). This variant is absent from or present at an exceedingly low frequency in gnomAD, a large-scale control population database (ACMG/AMP: PM2).

Blueprint Genetics
Classification: Likely pathogenic for LZTR1-related disorders. Last evaluated: 2023-09-27. Review status: criteria provided, single submitter. Criteria: ACMG Guidelines, 2015. Collection method: clinical testing. Allele origin: germline. Affected: yes. Observed: 2 variant alleles.

Mayo Clinic Laboratories, Mayo Clinic
Classification: Likely pathogenic. Last evaluated: 2023-08-17. Review status: criteria provided, single submitter. Criteria: ACMG Guidelines, 2015. Collection method: clinical testing. Allele origin: germline. Observed: 1 variant allele.
Comment: PM2_moderate, PVS1

Ambry Genetics
Classification: Pathogenic for Cardiovascular phenotype; Hereditary cancer-predisposing syndrome. Last evaluated: 2023-08-11. Review status: criteria provided, single submitter. Criteria: Ambry Variant Classification Scheme 2023. Collection method: clinical testing. Allele origin: germline.
Comment: The c.774delT pathogenic mutation, located in coding exon 8 of the LZTR1 gene, results from a deletion of one nucleotide at nucleotide position 774, causing a translational frameshift with a predicted alternate stop codon (p.F258Lfs*93). This alteration is expected to result in loss of function by premature protein truncation or nonsense-mediated mRNA decay. Loss-of-function variants in LZTR1 are related to an increased risk for schwannomas and autosomal recessive Noonan syndrome; however, such associations with autosomal dominant Noonan syndrome have not been observed (Piotrowski A et al. Nat Genet. 2014 Feb;46:182-7; Yamamoto GL et al. J Med Genet. 2015 Jun;52:413-21; Johnston JJ et al. Genet Med. 2018 10;20:1175-1185). Based on the supporting evidence, this variant is pathogenic for an increased risk of LZTR1-related schwannomatosis (SWN) and would be expected to cause autosomal recessive Noonan syndrome when present along with a second pathogenic or likely pathogenic variant on the other allele; however, the association of this alteration with autosomal dominant Noonan syndrome is unlikely.

Baylor Genetics
Classification: Likely pathogenic for LZTR1-related schwannomatosis. Last evaluated: 2023-07-23. Review status: criteria provided, single submitter. Criteria: ACMG Guidelines, 2015. Collection method: clinical testing. Allele origin: unknown.

University of Washington Center for Mendelian Genomics, University of Washington
Classification: association for Autism spectrum disorder. Review status: no assertion criteria provided. Collection method: research. Allele origin: inherited. Affected: yes. Not counted in ClinVar's aggregate classification.

Literature cited by the submitters: PubMed 24362817 (cited by Labcorp Genetics (formerly Invitae), Labcorp and Institute for Genomic Medicine (IGM) Clinical Laboratory, Nationwide Children's Hospital); PubMed 25335493 (cited by Labcorp Genetics (formerly Invitae), Labcorp and Institute for Genomic Medicine (IGM) Clinical Laboratory, Nationwide Children's Hospital); PubMed 25480913 (cited by Labcorp Genetics (formerly Invitae), Labcorp and Institute for Genomic Medicine (IGM) Clinical Laboratory, Nationwide Children's Hospital); PubMed 25795793 (cited by Labcorp Genetics (formerly Invitae), Labcorp); PubMed 29469822 (cited by Labcorp Genetics (formerly Invitae), Labcorp); PubMed 30368668 (cited by Labcorp Genetics (formerly Invitae), Labcorp); PubMed 30442762 (cited by Labcorp Genetics (formerly Invitae), Labcorp); PubMed 30442766 (cited by Labcorp Genetics (formerly Invitae), Labcorp); PubMed 30481304 (cited by Labcorp Genetics (formerly Invitae), Labcorp); PubMed 30859559 (cited by Labcorp Genetics (formerly Invitae), Labcorp); PubMed 30504930 (cited by Mayo Clinic Laboratories, Mayo Clinic and University of Washington Center for Mendelian Genomics, University of Washington).

NM_006767.4(LZTR1):c.774del (p.Phe258fs)

Gene: LZTR1 (leucine zipper like post translational regulator 1; plus strand). Cytogenetic location: 22q11.21.
Variant type: Deletion.
Coding change: c.774del on transcript NM_006767.4 (MANE Select); coding-DNA position 774, one base deleted (T; older notation c.774delT).
Protein change: p.Phe258fs; shifts the reading frame from phenylalanine 258.
Molecular consequence: frameshift variant.
Genome position (GRCh38, 1-based): chr22:20,990,508, T deleted; the last of 3 consecutive T bases (chr22:20,990,506-20,990,508); deleting any one gives the same sequence. VCF-style (leftmost placement, unchanged base first): chr22-20990505-GT-G. GRCh37 (hg19) VCF-style: chr22-21344794-GT-G.
Other names: p.Phe258Leufs*93; c.774del (NM_006767.3); c.772delT (NM_006767.4); short protein forms F258fs.
Identifiers: ClinVar variation 372924 (VCV000372924.26), dbSNP rs780267761, ClinGen allele CA10118607.